The following is an entry in ClinVar:

NM_000038.6(APC):c.4814T>C (p.Val1605Ala)

Gene: APC (APC regulator of Wnt signaling pathway; plus strand). Cytogenetic location: 5q22.2.
Variant type: single nucleotide variant.
Coding change: c.4814T>C on transcript NM_000038.6 (MANE Select); coding-DNA position 4814, T replaced by C.
Protein change: p.Val1605Ala; replaces valine 1605 with alanine.
Molecular consequence: missense variant.
Genome position (GRCh38, 1-based): chr5:112,840,408, T>C. VCF-style: chr5-112840408-T-C. GRCh37 (hg19) VCF-style: chr5-112176105-T-C.
Other names: c.4814T>C, p.Val1605Ala (NM_001127510.3, NM_001354895.2); c.4760T>C, p.Val1587Ala (NM_001127511.3); c.4868T>C, p.Val1623Ala (NM_001354896.2); c.4844T>C, p.Val1615Ala (NM_001354897.2); c.4739T>C, p.Val1580Ala (NM_001354898.2); c.4730T>C, p.Val1577Ala (NM_001354899.2); c.4691T>C, p.Val1564Ala (NM_001354900.2); c.4637T>C, p.Val1546Ala (NM_001354901.2); and 5 more; short protein forms V1322A, V1445A, V1546A, V1564A, V1580A, V1504A, V1577A, V1479A.
Identifiers: ClinVar variation 644157 (VCV000644157.10), dbSNP rs1580652935, ClinGen allele CA16031880.

ClinVar aggregate classification (germline): Uncertain significance (1 of 4 stars; one submission).

Conditions:
Familial adenomatous polyposis 1 (FAP1). Also called: FAMILIAL ADENOMATOUS POLYPOSIS 1, ATTENUATED; POLYPOSIS, ADENOMATOUS INTESTINAL. Identifiers: MedGen C2713442, MONDO:0021056, OMIM 175100. Disease mechanism: loss of function.

Submission:

Labcorp Genetics (formerly Invitae), Labcorp
Classification: Uncertain significance for Familial adenomatous polyposis 1. Last evaluated: 2023-11-24. Review status: criteria provided, single submitter. Criteria: Invitae Variant Classification Sherloc (09022015). Collection method: clinical testing. Allele origin: germline.
Comment: This sequence change replaces valine, which is neutral and non-polar, with alanine, which is neutral and non-polar, at codon 1605 of the APC protein (p.Val1605Ala). This variant is not present in population databases (gnomAD no frequency). This variant has not been reported in the literature in individuals affected with APC-related conditions. ClinVar contains an entry for this variant (Variation ID: 644157). Advanced modeling of protein sequence and biophysical properties (such as structural, functional, and spatial information, amino acid conservation, physicochemical variation, residue mobility, and thermodynamic stability) performed at Invitae indicates that this missense variant is not expected to disrupt APC protein function with a negative predictive value of 95%. In summary, the available evidence is currently insufficient to determine the role of this variant in disease. Therefore, it has been classified as a Variant of Uncertain Significance.